The following is an entry in ClinVar:

ClinVar aggregate classification (germline): Conflicting classifications of pathogenicity. Review status: criteria provided, conflicting classifications (1 of 4 stars). 4 submissions from 4 submitters: Uncertain significance (1); Likely benign (2). 1 of the submissions does not count toward it. Last evaluated 2025-11-03.

Conditions:
DNM2-related disorder. Also called: DNM2-related condition.
Inborn genetic diseases. Identifiers: MedGen C0950123, MeSH D030342.
Charcot-Marie-Tooth disease dominant intermediate B (CMTDIB). Also called: CHARCOT-MARIE-TOOTH NEUROPATHY, DOMINANT INTERMEDIATE B; Charcot-Marie-Tooth disease dominant intermediate 1; CMT DI1; Charcot-Marie-Tooth disease dominant intermediate I. Identifiers: Orphanet 100044, Orphanet 228179, MedGen C1847902, MONDO:0011674, OMIM 606482.

Allele frequency attached by ClinVar (database versions not stated): ExAC 0.00001; gnomAD 0.00001; gnomAD exomes 0.00001 and 0.00002; TOPMed 0.00001; ESP Exome Variant Server 0.00008.
gnomAD v4.1: 33 of 1,614,000 alleles (0.002%); highest among the groups gnomAD compares: Non-Finnish European, 0.0028%; 1 homozygote.

Submissions (4):

Labcorp Genetics (formerly Invitae), Labcorp
Classification: Likely benign for Charcot-Marie-Tooth disease dominant intermediate B. Last evaluated: 2025-11-03. Review status: criteria provided, single submitter. Criteria: Invitae Variant Classification Sherloc (09022015). Collection method: clinical testing. Allele origin: germline.

Ambry Genetics
Classification: Likely benign for Inborn genetic diseases. Last evaluated: 2019-07-11. Review status: criteria provided, single submitter. Criteria: Ambry Variant Classification Scheme 2023. Collection method: clinical testing. Allele origin: germline.

Eurofins Ntd Llc (ga)
Classification: Uncertain significance. Last evaluated: 2014-12-17. Review status: criteria provided, single submitter. Criteria: EGL Classification Definitions 2015. Collection method: clinical testing. Allele origin: germline. Observed: 1 variant allele, 1 heterozygote.

PreventionGenetics, part of Exact Sciences
Classification: Likely benign for DNM2-related condition. Last evaluated: 2019-08-31. Review status: no assertion criteria provided. Collection method: clinical testing. Allele origin: germline. Not counted in ClinVar's aggregate classification.
Comment: This variant is classified as likely benign based on ACMG/AMP sequence variant interpretation guidelines (Richards et al. 2015 PMID: 25741868, with internal and published modifications).

NM_001005361.3(DNM2):c.216G>A (p.Gln72=)

Gene: DNM2 (dynamin 2; plus strand). Cytogenetic location: 19p13.2.
Variant type: single nucleotide variant.
Coding change: c.216G>A on transcript NM_001005361.3 (MANE Select); coding-DNA position 216, G replaced by A.
Protein change: p.Gln72=; no amino-acid change (glutamine 72 retained).
Molecular consequence: synonymous variant.
Genome position (GRCh38, 1-based): chr19:10,759,792, G>A. VCF-style: chr19-10759792-G-A. GRCh37 (hg19) VCF-style: chr19-10870468-G-A.
Other names: c.216G>A, p.Gln72= (NM_001005360.3, NM_001005362.3, NM_001190716.2 and 1 more transcripts).
Identifiers: ClinVar variation 195104 (VCV000195104.19), dbSNP rs368075301, ClinGen allele CA241377.
Genomic context (GRCh38, chr19:10,759,792, plus strand): 5'-TCACAGGGACTTCCTTCCCCGCGGTTCAGGAATCGTCACCCGGCGGCCTCTCATTCTGCA[G>A]CTCATCTTCTCAAAAACAGGTAAAATGGGGCGGCCTGAGGTTCAGCAGGAAGTGGATGTG-3'
Protein context (NP_001005361.1, residues 62-82): GIVTRRPLIL[Gln72=]LIFSKTEHAE